The following is an entry in ClinVar:

NM_001042681.2(RERE):c.1541-8T>G

Gene: RERE (arginine-glutamic acid dipeptide repeats; minus strand). Cytogenetic location: 1p36.23.
Variant type: single nucleotide variant.
Coding change: c.1541-8T>G on transcript NM_001042681.2 (MANE Select); 8 bases into the intron before coding-DNA position 1541, T replaced by G.
Molecular consequence: intron variant.
Genome position (GRCh38, 1-based): chr1:8,364,263, A>C on the plus strand (T>G on the coding strand, the complement: RERE is on the minus strand). VCF-style: chr1-8364263-A-C. GRCh37 (hg19) VCF-style: chr1-8424323-A-C.
Other names: c.1541-8T>G (NM_012102.4); c.-122-8T>G (NM_001042682.2).
Identifiers: ClinVar variation 4850523 (VCV004850523.1).

ClinVar aggregate classification (germline): Uncertain significance (1 of 4 stars; one submission).

Conditions:
Neurodevelopmental disorder with or without anomalies of the brain, eye, or heart (NEDBEH). Identifiers: Orphanet 494344, MedGen C5567477, MONDO:0014857, OMIM 616975.

Submission:

Foundation for Research in Genetics and Endocrinology, FRIGE's Institute of Human Genetics
Classification: Uncertain significance for Neurodevelopmental disorder with or without anomalies of the brain, eye, or heart. Last evaluated: 2025-12-12. Review status: criteria provided, single submitter. Criteria: ACMG Guidelines, 2015. Collection method: clinical testing. Allele origin: germline. Inheritance: Autosomal dominant inheritance. Affected: yes. Observed: 1 variant allele, 1 heterozygote.
Comment: A heterozygous 3’splice site variation in intron 14 of the RERE gene that affects the invariant AG acceptor splice site upstream of exon 25 was detected. The observed variant c.1541-8T>G has not been reported in the 1000 genomes and gnomAD databases.The predicted impact of the variant is uncertain based on in-silico analysis. NNSPLICE suggests a possibly damaging splicing effect. In summary, the variant meets our criteria to be classified as a variant of uncertain significance.